The following is an entry in ClinVar:

NM_006267.5(RANBP2):c.7850-5T>A

Gene: RANBP2 (RAN binding protein 2; plus strand). Cytogenetic location: 2q13.
Variant type: single nucleotide variant.
Coding change: c.7850-5T>A on transcript NM_006267.5 (MANE Select); 5 bases into the intron before coding-DNA position 7850, T replaced by A.
Molecular consequence: intron variant.
Genome position (GRCh38, 1-based): chr2:108,771,696, T>A. VCF-style: chr2-108771696-T-A. GRCh37 (hg19) VCF-style: chr2-109388152-T-A.
Other names: NC_000002.11:g.109388152T>A.
Identifiers: ClinVar variation 391665 (VCV000391665.3), dbSNP rs756409669, ClinGen allele CA1823688.

ClinVar aggregate classification (germline): Uncertain significance (1 of 4 stars; one submission).

Allele frequency attached by ClinVar (database versions not stated): gnomAD 0.00001; gnomAD exomes 0.00001 and 0.00002; TOPMed 0.00001; ExAC 0.00002.
gnomAD v4.1: 23 of 1,611,746 alleles (0.0014%); highest among the groups gnomAD compares: Non-Finnish European, 0.0019%; no homozygotes.

Submissions (2):

GeneDx
Classification: Uncertain significance. Last evaluated: 2016-12-23. Review status: criteria provided, single submitter. Criteria: GeneDx Variant Classification (06012015). Collection method: clinical testing. Allele origin: germline. Affected: yes.
Comment: The c.7850-5 T>A variant has not been published as a pathogenic variant, nor has it been reported as a benign variant to our knowledge. The c.7850-5 T>A variant was not observed in approximately 6500 individuals of European and African American ancestry in the NHLBI Exome Sequencing Project, indicating it is not a common benign variant in these populations. This nucleotide substitution occurs at a position that is not conserved. Several in-silico splice prediction models predict that c.7850-5 T>A creates a cryptic acceptor site which may supplant the natural acceptor site and lead to abnormal gene splicing. However, in the absence of RNA/functional studies, the actual effect of this sequence change in this individual is unknown. In summary, based on the currently available information, it is unclear whether this variant is a pathogenic variant or a rare benign variant.

Dr. Peter K. Rogan Lab, Western University
No classification provided (evidence only). Condition: Clear cell carcinoma of kidney. Review status: no classification provided. Collection method: in vitro. Allele origin: not applicable. Functional consequence: skipped exon. Not counted in ClinVar's aggregate classification.